The following is an entry in ClinVar:

ClinVar aggregate classification (germline): Uncertain significance. Review status: criteria provided, multiple submitters, no conflicts (2 of 4 stars). 4 submissions from 4 submitters: Uncertain significance (4). Last evaluated 2023-12-11.

Conditions:
Microcephalic primordial dwarfism due to RTTN deficiency (MSSP). Also called: Microcephaly, short stature, and polymicrogyria with or without seizures; MICROCEPHALY, SHORT STATURE, AND POLYMICROGYRIA. Identifiers: Orphanet 468631, MedGen C3553831, MONDO:0018764, OMIM 614833.
Inborn genetic diseases. Identifiers: MedGen C0950123, MeSH D030342.

Allele frequency attached by ClinVar (database versions not stated): gnomAD exomes 0.00004 and 0.00010; ESP Exome Variant Server 0.00008; ExAC 0.00009; 1000 Genomes Project 30x 0.00016; gnomAD 0.00019; TOPMed 0.00039.
gnomAD v4.1: 98 of 1,601,748 alleles (0.0061%); highest among the groups gnomAD compares: Admixed American, 0.073%; no homozygotes.

Submissions (4):

Labcorp Genetics (formerly Invitae), Labcorp
Classification: Uncertain significance. Last evaluated: 2023-12-11. Review status: criteria provided, single submitter. Criteria: Invitae Variant Classification Sherloc (09022015). Collection method: clinical testing. Allele origin: germline.
Comment: This sequence change replaces arginine, which is basic and polar, with glutamine, which is neutral and polar, at codon 1501 of the RTTN protein (p.Arg1501Gln). This variant is present in population databases (rs371160845, gnomAD 0.05%). This variant has not been reported in the literature in individuals affected with RTTN-related conditions. ClinVar contains an entry for this variant (Variation ID: 1032538). Advanced modeling of protein sequence and biophysical properties (such as structural, functional, and spatial information, amino acid conservation, physicochemical variation, residue mobility, and thermodynamic stability) performed at Invitae indicates that this missense variant is not expected to disrupt RTTN protein function with a negative predictive value of 80%. In summary, the available evidence is currently insufficient to determine the role of this variant in disease. Therefore, it has been classified as a Variant of Uncertain Significance.

Ambry Genetics
Classification: Uncertain significance for Inborn genetic diseases. Last evaluated: 2021-08-12. Review status: criteria provided, single submitter. Criteria: Ambry Variant Classification Scheme 2023. Collection method: clinical testing. Allele origin: germline.

Baylor Genetics
Classification: Uncertain significance for Microcephalic primordial dwarfism due to RTTN deficiency. Last evaluated: 2018-04-05. Review status: criteria provided, single submitter. Criteria: ACMG Guidelines, 2015. Collection method: clinical testing. Allele origin: unknown. Affected: yes.
Comment: This variant was determined to be of uncertain significance according to ACMG Guidelines, 2015 [PMID:25741868].

Breakthrough Genomics
Classification: Uncertain significance. Review status: criteria provided, single submitter. Criteria: ACMG Guidelines, 2015. Collection method: not provided. Allele origin: germline. Inheritance: Autosomal recessive inheritance. Affected: yes.

NM_173630.4(RTTN):c.4502G>A (p.Arg1501Gln)

Gene: RTTN (rotatin; minus strand). Cytogenetic location: 18q22.2.
Variant type: single nucleotide variant.
Coding change: c.4502G>A on transcript NM_173630.4 (MANE Select); coding-DNA position 4502, G replaced by A.
Protein change: p.Arg1501Gln; replaces arginine 1501 with glutamine.
Molecular consequence: missense variant.
Genome position (GRCh38, 1-based): chr18:70,075,414, C>T on the plus strand (G>A on the coding strand, the complement: RTTN is on the minus strand). VCF-style: chr18-70075414-C-T. GRCh37 (hg19) VCF-style: chr18-67742650-C-T.
Other names: c.1766G>A, p.Arg589Gln (NM_001318520.2); short protein forms R589Q, R1501Q.
Identifiers: ClinVar variation 1032538 (VCV001032538.9), dbSNP rs371160845, ClinGen allele CA8995238.